The following is an entry in ClinVar:

ClinVar aggregate classification (germline): Likely benign. Review status: criteria provided, single submitter (1 of 4 stars). 2 submissions from 2 submitters: Likely benign (1). 1 of the submissions does not count toward it. Last evaluated 2024-03-22.

Conditions:
CUX2-related disorder. Also called: CUX2-related condition.

Allele frequency attached by ClinVar (database versions not stated): gnomAD exomes below 0.00001; gnomAD 0.00001; TOPMed 0.00002; ExAC 0.00003.
gnomAD v4.1: 20 of 1,607,588 alleles (0.0012%); highest among the groups gnomAD compares: East Asian, 0.013%; no homozygotes.

Submissions (2):

Blueprint Genetics
Classification: Likely benign. Last evaluated: 2024-03-22. Review status: criteria provided, single submitter. Criteria: ACMG Guidelines, 2015. Collection method: clinical testing. Allele origin: germline.

PreventionGenetics, part of Exact Sciences
Classification: Likely benign for CUX2-related condition. Last evaluated: 2019-08-26. Review status: no assertion criteria provided. Collection method: clinical testing. Allele origin: germline. Not counted in ClinVar's aggregate classification.
Comment: This variant is classified as likely benign based on ACMG/AMP sequence variant interpretation guidelines (Richards et al. 2015 PMID: 25741868, with internal and published modifications).

NM_015267.4(CUX2):c.642A>G (p.Leu214=)

Gene: CUX2 (cut like homeobox 2; plus strand). Cytogenetic location: 12q24.11.
Variant type: single nucleotide variant.
Coding change: c.642A>G on transcript NM_015267.4 (MANE Select); coding-DNA position 642, A replaced by G.
Protein change: p.Leu214=; no amino-acid change (leucine 214 retained).
Molecular consequence: synonymous variant.
Genome position (GRCh38, 1-based): chr12:111,296,477, A>G. VCF-style: chr12-111296477-A-G. GRCh37 (hg19) VCF-style: chr12-111734281-A-G.
Other names: c.456A>G, p.Leu152= (NM_001370598.1).
Identifiers: ClinVar variation 3052382 (VCV003052382.3), dbSNP rs372596321, ClinGen allele CA6788432.